The following is an entry in ClinVar:

ClinVar aggregate classification (germline): Likely pathogenic (1 of 4 stars; one submission).

Conditions:
Multiple endocrine neoplasia, type 1 (MEN1). Also called: Endocrine adenomatosis multiple; MEN 1; MEA I; MEN I; WERMER SYNDROME. Identifiers: Orphanet 652, MedGen C0025267, MeSH D018761, MONDO:0007540, OMIM 131100.

Submission:

Women's Health and Genetics/Laboratory Corporation of America, LabCorp
Classification: Likely pathogenic for Multiple Endocrine Neoplasia Type 1. Last evaluated: 2011-08-18. Review status: criteria provided, single submitter. Criteria: LabCorp Variant Classification Summary - May 2015. Collection method: curation, clinical testing. Allele origin: germline. Inheritance: autosomal dominant. Affected: yes. Observed: 1 variant allele.
ClinVar note: Converted during submission from likely pathogenic to Likely pathogenic.

Literature cited by the submitters: PubMed 15670192.

NM_001370259.2(MEN1):c.1174dup (p.Glu392fs)

Gene: MEN1 (menin 1; minus strand). Cytogenetic location: 11q13.1.
Variant type: Duplication.
Coding change: c.1174dup on transcript NM_001370259.2 (MANE Select); coding-DNA position 1174, one base duplicated (G; older notation c.1174dupG).
Protein change: p.Glu392fs; shifts the reading frame from glutamic acid 392.
Molecular consequence: frameshift variant.
Genome position (GRCh38, 1-based): chr11:64,805,646, C duplicated on the plus strand (G on the coding strand, the reverse complement: MEN1 is on the minus strand); the first of 5 consecutive C bases (chr11:64,805,646-64,805,650); duplicating any one gives the same sequence. VCF-style (leftmost placement, unchanged base first): chr11-64805645-T-TC. GRCh37 (hg19) VCF-style: chr11-64573117-T-TC.
Other names: c.1189dupG (NM_000244.3); c.1189dup, p.Glu397fs (NM_000244.4, NM_130800.3, NM_130801.3 and 3 more transcripts); c.1300dup, p.Glu434fs (NM_001370251.2); c.1174dup, p.Glu392fs (NM_001370260.2, NM_001370261.2, NM_130799.3); c.1069dup, p.Glu357fs (NM_001370262.2, NM_001370263.2); short protein forms E392fs, E357fs, E397fs, E434fs.
Identifiers: ClinVar variation 36521 (VCV000036521.4), dbSNP rs386134247, ClinGen allele CA260440.